The following is an entry in ClinVar:

ClinVar aggregate classification (germline): Conflicting classifications of pathogenicity. Review status: criteria provided, conflicting classifications (1 of 4 stars). 7 submissions from 7 submitters: Likely pathogenic (2); Uncertain significance (1). 4 of the submissions do not count toward it. Last evaluated 2026-01-19.

Conditions:
Long telomere syndrome.
Tumor predisposition syndrome 3 (TPDS3). Also called: Glioma susceptibility 9; LONG TELOMERE SYNDROME, POT1-RELATED; POT1 Tumor Predisposition; Melanoma, cutaneous malignant, susceptibility to, 10. Identifiers: Orphanet 618, MedGen C4014476, MONDO:0014368, OMIM 615848.
Hereditary cancer-predisposing syndrome. Also called: Hereditary neoplastic syndrome; Hereditary Cancer Syndrome; Neoplastic Syndromes, Hereditary; Tumor predisposition. Identifiers: Orphanet 140162, MedGen C0027672, MeSH D009386, MONDO:0015356.

Submissions (7):

Labcorp Genetics (formerly Invitae), Labcorp
Classification: Likely pathogenic for Tumor predisposition syndrome 3. Last evaluated: 2026-01-19. Review status: criteria provided, single submitter. Criteria: Invitae Variant Classification Sherloc (09022015). Collection method: clinical testing. Allele origin: germline.
Comment: This sequence change replaces arginine, which is basic and polar, with glutamine, which is neutral and polar, at codon 273 of the POT1 protein (p.Arg273Gln). This variant is not present in population databases (gnomAD no frequency). This missense change has been observed in individuals with POT1-related conditions (PMID: 36539277, 37140166; internal data). ClinVar contains an entry for this variant (Variation ID: 475105). Invitae Evidence Modeling of protein sequence and biophysical properties (such as structural, functional, and spatial information, amino acid conservation, physicochemical variation, residue mobility, and thermodynamic stability) has been performed for this missense variant. However, the output from this modeling did not meet the statistical confidence thresholds required to predict the impact of this variant on POT1 protein function. Studies have shown that this missense change is associated with inconclusive levels of altered splicing (internal data). In summary, the currently available evidence indicates that the variant is pathogenic, but additional data are needed to prove that conclusively. Therefore, this variant has been classified as Likely Pathogenic.

Ambry Genetics
Classification: Likely pathogenic for Hereditary cancer-predisposing syndrome. Last evaluated: 2025-05-12. Review status: criteria provided, single submitter. Criteria: Ambry Variant Classification Scheme 2023. Collection method: clinical testing. Allele origin: germline.
Comment: The p.R273Q variant (also known as c.818G>A), located in coding exon 6 of the POT1 gene, results from a G to A substitution at nucleotide position 818. The arginine at codon 273 is replaced by glutamine, an amino acid with highly similar properties. This alteration was associated with long telomere length which conferred a predisposition to familial clonal hematopoiesis syndrome (DeBoy EA et al. N Engl J Med, 2023 Jun;388:2422-2433). This alteration has been observed in multiple individuals with a personal and family history that is consistent with POT1-related disease (Ambry internal data and personal communication; Baptista Freitas M et al. Eur J Hum Genet, 2024 Aug;32:980-986). This amino acid position is highly conserved in available vertebrate species. In addition, the in silico prediction for this alteration is inconclusive. This variant is considered to be rare based on population cohorts in the Genome Aggregation Database (gnomAD). Based on the majority of available evidence to date, this variant is likely to be pathogenic.

Department of Pathology and Laboratory Medicine, Sinai Health System
Classification: Uncertain significance for Tumor predisposition syndrome 3. Last evaluated: 2021-06-09. Review status: criteria provided, single submitter. Criteria: ACMG Guidelines, 2015. Collection method: clinical testing. Allele origin: germline. Affected: yes.

Center of Human Genetics, Hôpital Erasme
Classification: Likely pathogenic for Tumor predisposition syndrome 3. Last evaluated: 2024-03-26. Review status: no assertion criteria provided. Collection method: clinical testing. Allele origin: unknown. Affected: yes. Observed: 1 heterozygote. Not counted in ClinVar's aggregate classification.
Comment: Variant absent from gnomADv4. Amino acid conserved in evolution. At the same amino acid position, another variant (c.818G>T; p.Arg273Leu) is considered pathogenic (PMID 24686849).

OMIM
Classification: Pathogenic for TUMOR PREDISPOSITION SYNDROME 3. Last evaluated: 2023-09-26. Review status: no assertion criteria provided. Collection method: literature only. Allele origin: germline. Not counted in ClinVar's aggregate classification.

The Telomere Center at Johns Hopkins, Johns Hopkins University School of Medicine
Classification: Pathogenic for Long telomere syndrome. Last evaluated: 2022-08-01. Review status: no assertion criteria provided. Collection method: clinical testing. Allele origin: germline. Affected: yes. Not counted in ClinVar's aggregate classification.

GeneDx
Classification: Uncertain significance. Last evaluated: 2022-09-27. Review status: flagged submission. Criteria: GeneDx Variant Classification Process June 2021. Collection method: clinical testing. Allele origin: germline. Affected: yes. Not counted in ClinVar's aggregate classification.
Comment: Not observed at significant frequency in large population cohorts (gnomAD); In silico analysis supports that this missense variant has a deleterious effect on protein structure/function; Has not been previously published as pathogenic or benign to our knowledge; This variant is associated with the following publications: (PMID: 28393830, 24686849)
ClinVar note: Reason: Outlier claim with insufficient supporting evidence

Literature cited by the submitters: PubMed 36539277 (cited by Labcorp Genetics (formerly Invitae), Labcorp); PubMed 37140166 (cited by 3 submitters); PubMed 24686849 (cited by Ambry Genetics and Department of Pathology and Laboratory Medicine, Sinai Health System); PubMed 38839987 (cited by Ambry Genetics).

NM_015450.3(POT1):c.818G>A (p.Arg273Gln)

Gene: POT1 (protection of telomeres 1; minus strand). Cytogenetic location: 7q31.33.
Variant type: single nucleotide variant.
Coding change: c.818G>A on transcript NM_015450.3 (MANE Select); coding-DNA position 818, G replaced by A.
Protein change: p.Arg273Gln; replaces arginine 273 with glutamine.
Molecular consequence: missense variant. On other transcripts: non-coding transcript variant (3).
Genome position (GRCh38, 1-based): chr7:124,853,023, C>T on the plus strand (G>A on the coding strand, the complement: POT1 is on the minus strand). VCF-style: chr7-124853023-C-T. GRCh37 (hg19) VCF-style: chr7-124493077-C-T.
Other names: c.425G>A, p.Arg142Gln (NM_001042594.2); short protein forms R273Q, R142Q.
Identifiers: ClinVar variation 475105 (VCV000475105.47), dbSNP rs587777476, ClinGen allele CA369055340.
Genomic context (GRCh38, chr7:124,853,023, plus strand): 5'-AAAGCTTACTTTTTCAGTTGATCCACATCAGAGTTACTTTCTGGCAAGACCCTGATTCCC[C>T]GACCGTAACTGGTACCTCCATGAAGATGAAACTCTAAACTTAACATTGTCTGATTCTCTG-3'
Protein context (NP_056265.2, residues 263-283): FHLHGGTSYG[Arg273Gln]GIRVLPESNS